The following is an entry in ClinVar:

NM_020719.3(PRR12):c.2618G>A (p.Ser873Asn)

Gene: PRR12 (proline rich 12; plus strand). Cytogenetic location: 19q13.33.
Variant type: single nucleotide variant.
Coding change: c.2618G>A on transcript NM_020719.3 (MANE Select); coding-DNA position 2618, G replaced by A.
Protein change: p.Ser873Asn; replaces serine 873 with asparagine.
Molecular consequence: missense variant.
Genome position (GRCh38, 1-based): chr19:49,596,953, G>A. VCF-style: chr19-49596953-G-A. GRCh37 (hg19) VCF-style: chr19-50100210-G-A.
Other names: short protein forms S873N.
Identifiers: ClinVar variation 3938606 (VCV003938606.3).

ClinVar aggregate classification (germline): Uncertain significance. Review status: criteria provided, multiple submitters, no conflicts (2 of 4 stars). 2 submissions from 2 submitters: Uncertain significance (2). Last evaluated 2025-08-22.

Conditions:
Inborn genetic diseases. Identifiers: MedGen C0950123, MeSH D030342.

gnomAD v4.1: 6 of 1,551,144 alleles (0.00039%); highest among the groups gnomAD compares: East Asian, 0.0024%; no homozygotes.

Submissions (2):

Dasa
Classification: Uncertain significance. Last evaluated: 2025-08-22. Review status: criteria provided, single submitter. Criteria: DASA Assertion Criteria. Collection method: clinical testing. Allele origin: germline.
Comment: NM_020719.3(PRR12):c.2618G>A (p.Ser873Asn) is a missense variant that results in the substitution of serine with asparagine. This variant is rare in population databases. Computational prediction algorithms are consistent with a benign effect. The currently available literature and clinical evidence are not sufficient to establish a definitive association between this variant and the reported condition. Therefore, this variant is classified as a variant of uncertain significance.

Ambry Genetics
Classification: Uncertain significance for Inborn genetic diseases. Last evaluated: 2025-06-03. Review status: criteria provided, single submitter. Criteria: Ambry Variant Classification Scheme 2023. Collection method: clinical testing. Allele origin: germline.